The following is an entry in ClinVar:

NM_013275.6(ANKRD11):c.4236AGA[1] (p.Glu1413del)

Gene: ANKRD11 (ankyrin repeat domain 11; minus strand). Cytogenetic location: 16q24.3.
Variant type: Microsatellite.
Coding change: c.4236AGA[1] on transcript NM_013275.6 (MANE Select); one copy of the 3-base unit AGA starting at c.4236; the reference has two copies in a row; one copy, 3 bases deleted.
Protein change: p.Glu1413del; deletes glutamic acid 1413.
Molecular consequence: inframe deletion.
Genome position (GRCh38, 1-based): chr16:89,282,301-89,282,303, TCT deleted on the plus strand (AGA on the coding strand, the reverse complement: ANKRD11 is on the minus strand); deleting any 3 consecutive bases within chr16:89,282,301-89,282,306 gives the same sequence; the position shown is the placement nearest the transcript's 3' end. VCF-style (leftmost placement, unchanged base first): chr16-89282300-ATCT-A. GRCh37 (hg19) VCF-style: chr16-89348708-ATCT-A.
Other names: c.4239_4241delAGA (NM_013275.4, NM_013275.5); c.4236AGA[1], p.Glu1413del (NM_001256182.2, NM_001256183.2); short protein forms E1413del.
Identifiers: ClinVar variation 707683 (VCV000707683.18), dbSNP rs778347369, ClinGen allele CA8242173.

ClinVar aggregate classification (germline): Conflicting classifications of pathogenicity. Review status: criteria provided, conflicting classifications (1 of 4 stars). 6 submissions from 6 submitters: Uncertain significance (1); Benign (2); Likely benign (2). 1 of the submissions does not count toward it. Last evaluated 2025-12-30.

Conditions:
ANKRD11-related disorder. Also called: ANKRD11-related condition.
KBG syndrome (KBGS). Also called: ANKRD11-Related KBG Syndrome. Identifiers: Orphanet 2332, MedGen C0220687, MONDO:0007846, OMIM 148050.
Inborn genetic diseases. Identifiers: MedGen C0950123, MeSH D030342.

Submissions (6):

Labcorp Genetics (formerly Invitae), Labcorp
Classification: Likely benign for KBG syndrome. Last evaluated: 2025-12-30. Review status: criteria provided, single submitter. Criteria: Invitae Variant Classification Sherloc (09022015). Collection method: clinical testing. Allele origin: germline.

Blueprint Genetics
Classification: Likely benign. Last evaluated: 2024-11-25. Review status: criteria provided, single submitter. Criteria: ACMG Guidelines, 2015. Collection method: clinical testing. Allele origin: germline.

Genome-Nilou Lab
Classification: Benign for KBG syndrome. Last evaluated: 2021-12-05. Review status: criteria provided, single submitter. Criteria: ACMG Guidelines, 2015. Collection method: clinical testing. Allele origin: germline. Affected: no.

GeneDx
Classification: Benign. Last evaluated: 2019-10-22. Review status: criteria provided, single submitter. Criteria: GeneDx Variant Classification Process June 2021. Collection method: clinical testing. Allele origin: germline. Affected: yes.

Ambry Genetics
Classification: Uncertain significance for Inborn genetic diseases. Last evaluated: 2018-11-06. Review status: criteria provided, single submitter. Criteria: Ambry Variant Classification Scheme 2023. Collection method: clinical testing. Allele origin: germline.
Comment: The c.4239_4241delAGA variant (also known as p.E1413del) is located in coding exon 7 of the ANKRD11 gene. This variant results from an in-frame AGA deletion at nucleotide positions 4239 to 4241. This results in the in-frame deletion of a glutamic acid at codon 1413. This amino acid position is not well conserved in available vertebrate species. In addition, this alteration is predicted to be inconclusive by Provean in silico analyses. Since supporting evidence is limited at this time, the clinical significance of this alteration remains unclear.

PreventionGenetics, part of Exact Sciences
Classification: Likely benign for ANKRD11-related condition. Last evaluated: 2022-05-06. Review status: no assertion criteria provided. Collection method: clinical testing. Allele origin: germline. Not counted in ClinVar's aggregate classification.
Comment: This variant is classified as likely benign based on ACMG/AMP sequence variant interpretation guidelines (Richards et al. 2015 PMID: 25741868, with internal and published modifications).